The following is an entry in ClinVar:

ClinVar aggregate classification (germline): Likely benign. Review status: criteria provided, multiple submitters, no conflicts (2 of 4 stars). 3 submissions from 3 submitters: Likely benign (3). Last evaluated 2025-10-02.

Conditions:
Dyskeratosis congenita. Identifiers: Orphanet 1775, MedGen C0265965, MONDO:0015780.

Allele frequency attached by ClinVar (database versions not stated): ExAC 0.00001; gnomAD exomes 0.00003.
gnomAD v4.1: 18 of 1,614,122 alleles (0.0011%); highest among the groups gnomAD compares: Middle Eastern, 0.17%; no homozygotes.

Submissions (3):

Labcorp Genetics (formerly Invitae), Labcorp
Classification: Likely benign for Dyskeratosis congenita. Last evaluated: 2025-10-02. Review status: criteria provided, single submitter. Criteria: Invitae Variant Classification Sherloc (09022015). Collection method: clinical testing. Allele origin: germline.

Blueprint Genetics
Classification: Likely benign. Last evaluated: 2024-10-07. Review status: criteria provided, single submitter. Criteria: ACMG Guidelines, 2015. Collection method: clinical testing. Allele origin: germline.

CeGaT Center for Human Genetics Tuebingen
Classification: Likely benign. Last evaluated: 2022-09-01. Review status: criteria provided, single submitter. Criteria: CeGaT Center For Human Genetics Tuebingen Variant Classification Criteria Version 2. Collection method: clinical testing. Allele origin: germline. Affected: yes. Observed: 1 variant allele.
Comment: CTC1: BP4, BP7

NM_025099.6(CTC1):c.2721A>C (p.Leu907=)

Gene: CTC1 (CST telomere replication complex component 1; minus strand). Cytogenetic location: 17p13.1.
Variant type: single nucleotide variant.
Coding change: c.2721A>C on transcript NM_025099.6 (MANE Select); coding-DNA position 2721, A replaced by C.
Protein change: p.Leu907=; no amino-acid change (leucine 907 retained).
Molecular consequence: synonymous variant. On other transcripts: non-coding transcript variant (1).
Genome position (GRCh38, 1-based): chr17:8,230,600, T>G on the plus strand (A>C on the coding strand, the complement: CTC1 is on the minus strand). VCF-style: chr17-8230600-T-G. GRCh37 (hg19) VCF-style: chr17-8133918-T-G.
Identifiers: ClinVar variation 1647509 (VCV001647509.33), dbSNP rs776568637, ClinGen allele CA8371993.